The following is an entry in ClinVar:

NM_000540.3(RYR1):c.3951dup (p.Ala1318fs)

Gene: RYR1 (ryanodine receptor 1; plus strand). Cytogenetic location: 19q13.2.
Variant type: Duplication.
Coding change: c.3951dup on transcript NM_000540.3 (MANE Select); coding-DNA position 3951, one base duplicated (C; older notation c.3951dupC).
Protein change: p.Ala1318fs; shifts the reading frame from alanine 1318.
Molecular consequence: frameshift variant.
Genome position (GRCh38, 1-based): chr19:38,473,562, C duplicated; the last of 6 consecutive C bases (chr19:38,473,557-38,473,562); duplicating any one gives the same sequence. VCF-style (leftmost placement, unchanged base first): chr19-38473556-G-GC. GRCh37 (hg19) VCF-style: chr19-38964196-G-GC.
Other names: c.3951dup, p.Ala1318fs (NM_001042723.2); short protein forms A1318fs.
Identifiers: ClinVar variation 1457191 (VCV001457191.6), dbSNP rs772166066, ClinGen allele CA065360.
Genomic context (GRCh38, chr19:38,473,556, plus strand): 5'-GTTCCACCAGCACTTCCGCTGCACTGCAGGGGCCACCCCGCTGGCACCTCCTGGCCTGCA[G>GC]CCCCCCGCCGAGGACGAGGCCCGGGCGGCGGAACCCGACCCTGACTACGAAAACCTGCGC-3'

ClinVar aggregate classification (germline): Pathogenic (1 of 4 stars; one submission).

Conditions:
RYR1-related disorder. Also called: RYR1-related condition; RYR1-related disorders. Identifiers: MedGen CN239331.

Submission:

Labcorp Genetics (formerly Invitae), Labcorp
Classification: Pathogenic for RYR1-related disorder. Last evaluated: 2023-08-17. Review status: criteria provided, single submitter. Criteria: Invitae Variant Classification Sherloc (09022015). Collection method: clinical testing. Allele origin: germline.
Comment: This sequence change creates a premature translational stop signal (p.Ala1318Argfs*13) in the RYR1 gene. It is expected to result in an absent or disrupted protein product. Loss-of-function variants in RYR1 are known to be pathogenic (PMID: 23919265, 25960145, 28818389, 30611313). The frequency data for this variant in the population databases is considered unreliable, as metrics indicate poor data quality at this position in the gnomAD database. This variant has not been reported in the literature in individuals affected with RYR1-related conditions. ClinVar contains an entry for this variant (Variation ID: 1457191). For these reasons, this variant has been classified as Pathogenic.

Literature cited by the submitters: PubMed 23919265; PubMed 25960145; PubMed 28818389; PubMed 30611313.